The following is an entry in ClinVar:

NM_020975.6(RET):c.1840GAG[4] (p.Glu616_Lys617insGlu)

Gene: RET (ret proto-oncogene; plus strand). Cytogenetic location: 10q11.21.
Variant type: Microsatellite.
Coding change: c.1840GAG[4] on transcript NM_020975.6 (MANE Select); four copies in a row of the 3-base unit GAG starting at c.1840; the reference has three copies in a row; one copy, 3 bases duplicated.
Protein change: p.Glu616_Lys617insGlu.
Molecular consequence: inframe insertion. On other transcripts: inframe indel (41).
Genome position (GRCh38, 1-based): chr10:43,113,642-43,113,644, GAG duplicated; duplicating any 3 consecutive bases within chr10:43,113,636-43,113,644 gives the same sequence; the position shown is the placement nearest the transcript's 3' end. VCF-style (leftmost placement, unchanged base first): chr10-43113635-T-TGAG. GRCh37 (hg19) VCF-style: chr10-43609083-T-TGAG.
Other names: c.1840_1842GAG[4], p.Glu616_Lys617insGlu (NM_000323.2, NM_001406743.1, NM_001406744.1 and 7 more transcripts); c.1078_1080GAG[4], p.Glu362_Lys363insGlu (NM_001355216.2); c.1711_1713GAG[4], p.Glu573_Lys574insGlu (NM_001406761.1, NM_001406762.1, NM_001406764.1 and 1 more transcripts); c.1552_1554GAG[4], p.Glu520_Lys521insGlu (NM_001406766.1, NM_001406767.1, NM_001406770.1); c.1444_1446GAG[4], p.Glu484_Lys485insGlu (NM_001406769.1, NM_001406772.1); c.1402_1404GAG[4], p.Glu470_Lys471insGlu (NM_001406771.1, NM_001406773.1); c.1315_1317GAG[4], p.Glu441_Lys442insGlu (NM_001406774.1); c.1114_1116GAG[4], p.Glu374_Lys375insGlu (NM_001406775.1, NM_001406776.1, NM_001406777.1 and 1 more transcripts); and 6 more.
Identifiers: ClinVar variation 1445581 (VCV001445581.11), dbSNP rs377767399, ClinGen allele CA2580615459.

ClinVar aggregate classification (germline): Uncertain significance. Review status: criteria provided, multiple submitters, no conflicts (2 of 4 stars). 2 submissions from 2 submitters: Uncertain significance (2). Last evaluated 2025-11-05.

Conditions:
Multiple endocrine neoplasia, type 2 (MEN2). Identifiers: Orphanet 653, MedGen C4048306, MONDO:0019003. Disease mechanism: gain of function.
Hereditary cancer-predisposing syndrome. Also called: Tumor predisposition; Hereditary Cancer Syndrome; Hereditary neoplastic syndrome; Neoplastic Syndromes, Hereditary. Identifiers: Orphanet 140162, MedGen C0027672, MeSH D009386, MONDO:0015356.

Submissions (2):

Ambry Genetics
Classification: Uncertain significance for Hereditary cancer-predisposing syndrome. Last evaluated: 2025-11-05. Review status: criteria provided, single submitter. Criteria: Ambry Variant Classification Scheme 2023. Collection method: clinical testing. Allele origin: germline.
Comment: The c.1846_1848dupGAG variant (also known as p.E616dup), located in coding exon 10 of the RET gene, results from an in-frame duplication of GAG at nucleotide positions 1846 to 1848. This results in the duplication of an extra residue between codons 616 and 617. This region is well conserved in available vertebrate species. In addition, this alteration is predicted to be neutral by in silico analysis (Choi Y et al. PLoS ONE. 2012; 7(10):e46688). Since supporting evidence is limited at this time, the clinical significance of this alteration remains unclear.

Labcorp Genetics (formerly Invitae), Labcorp
Classification: Uncertain significance for Multiple endocrine neoplasia, type 2. Last evaluated: 2023-06-06. Review status: criteria provided, single submitter. Criteria: Invitae Variant Classification Sherloc (09022015). Collection method: clinical testing. Allele origin: germline.
Comment: This variant has not been reported in the literature in individuals affected with RET-related conditions. This variant, c.1846_1848dup, results in the insertion of 1 amino acid(s) of the RET protein (p.Glu616dup), but otherwise preserves the integrity of the reading frame. This variant is not present in population databases (gnomAD no frequency). ClinVar contains an entry for this variant (Variation ID: 1445581). Experimental studies and prediction algorithms are not available or were not evaluated, and the functional significance of this variant is currently unknown. In summary, the available evidence is currently insufficient to determine the role of this variant in disease. Therefore, it has been classified as a Variant of Uncertain Significance.